The following is an entry in ClinVar:

NM_000553.6(WRN):c.2978G>A (p.Arg993His)

Gene: WRN (WRN RecQ like helicase; plus strand). Cytogenetic location: 8p12.
Variant type: single nucleotide variant.
Coding change: c.2978G>A on transcript NM_000553.6 (MANE Select); coding-DNA position 2978, G replaced by A.
Protein change: p.Arg993His; replaces arginine 993 with histidine.
Molecular consequence: missense variant.
Genome position (GRCh38, 1-based): chr8:31,141,440, G>A. VCF-style: chr8-31141440-G-A. GRCh37 (hg19) VCF-style: chr8-30998956-G-A.
Other names: short protein forms R993H.
Identifiers: ClinVar variation 135427 (VCV000135427.13), dbSNP rs370713742, ClinGen allele CA162731.
Genomic context (GRCh38, chr8:31,141,440, plus strand): 5'-TATATGTTTAAATTAGCATTTTTAGATACTGATTTTATTCCTAATTTCAGAATTCTCAGC[G>A]TCTTGCCGATCAATATCGCAGGCACAGTTTATTTGGCACTGGCAAGGATCAAACAGAGAG-3'
Protein context (NP_000544.2, residues 983-1003): ILFLRGSNSQ[Arg993His]LADQYRRHSL

ClinVar aggregate classification (germline): Conflicting classifications of pathogenicity. Review status: criteria provided, conflicting classifications (1 of 4 stars). 7 submissions from 7 submitters: Likely pathogenic (1); Uncertain significance (3). 3 of the submissions do not count toward it. Last evaluated 2026-08-02.

Conditions:
WRN-related disorder. Also called: WRN-related condition.
Ovarian cancer. Also called: OVARIAN CANCER, SOMATIC. Identifiers: Orphanet 213500, MedGen C1140680, MONDO:0008170, OMIM 167000.
Werner syndrome (WRN). Identifiers: Orphanet 902, MedGen C0043119, MONDO:0010196, OMIM 277700.

Allele frequency attached by ClinVar (database versions not stated): ExAC 0.00001; gnomAD exomes 0.00002; gnomAD 0.00003; TOPMed 0.00006; ESP Exome Variant Server 0.00008.
gnomAD v4.1: 89 of 1,613,870 alleles (0.0055%); highest among the groups gnomAD compares: Middle Eastern, 0.033%; no homozygotes.

Submissions (7):

PreventionGenetics, part of Exact Sciences
Classification: Uncertain significance for WRN-related condition. Last evaluated: 2026-08-02. Review status: criteria provided, single submitter. Criteria: ACMG Guidelines, 2015. Collection method: clinical testing. Allele origin: germline.
Comment: The WRN c.2978G>A variant is predicted to result in the amino acid substitution p.Arg993His. This variant was reported in an individual with Werner syndrome (Supplemental Table 1, Gorukmez et al. 2023. PubMed ID: 36964972). This variant is reported in 0.011% of alleles in individuals of East Asian descent in gnomAD and has conflicting interpretations in ClinVar ranging from likely pathogenic to uncertain (Variation ID: 135427). At this time, the clinical significance of this variant is uncertain due to the absence of conclusive functional and genetic evidence.

Labcorp Genetics (formerly Invitae), Labcorp
Classification: Uncertain significance for Werner syndrome. Last evaluated: 2025-11-03. Review status: criteria provided, single submitter. Criteria: Invitae Variant Classification Sherloc (09022015). Collection method: clinical testing. Allele origin: germline.
Comment: This sequence change replaces arginine, which is basic and polar, with histidine, which is basic and polar, at codon 993 of the WRN protein (p.Arg993His). This variant is present in population databases (rs370713742, gnomAD 0.01%). This missense change has been observed in individual(s) with WRN-related conditions (PMID: 36964972). ClinVar contains an entry for this variant (Variation ID: 135427). An algorithm developed to predict the effect of missense changes on protein structure and function (PolyPhen-2) suggests that this variant is likely to be disruptive. In summary, the available evidence is currently insufficient to determine the role of this variant in disease. Therefore, it has been classified as a Variant of Uncertain Significance.

Laboratory of Molecular Epidemiology of Birth Defects, West China Second University Hospital, Sichuan University
Classification: Likely pathogenic for Ovarian cancer. Last evaluated: 2022-01-01. Review status: criteria provided, single submitter. Criteria: ACMG Guidelines, 2015. Collection method: clinical testing. Allele origin: germline. Affected: yes.

Fulgent Genetics
Classification: Uncertain significance for Werner syndrome. Last evaluated: 2018-10-31. Review status: criteria provided, single submitter. Criteria: ACMG Guidelines, 2015. Collection method: clinical testing. Allele origin: unknown.

ITMI
No classification provided. Condition: AllHighlyPenetrant. Last evaluated: 2013-09-19. Review status: no classification provided. Collection method: reference population. Allele origin: germline. Not counted in ClinVar's aggregate classification.
Comment: Please see associated publication for description of ethnicities

Clinical Genetics DNA and cytogenetics Diagnostics Lab, Erasmus MC, Erasmus Medical Center
Classification: Uncertain significance. Review status: no assertion criteria provided. Collection method: clinical testing. Allele origin: germline. Affected: yes. Study: VKGL Data-share Consensus. Not counted in ClinVar's aggregate classification.

Genome Diagnostics Laboratory, Amsterdam University Medical Center
Classification: Uncertain significance. Review status: no assertion criteria provided. Collection method: clinical testing. Allele origin: germline. Affected: yes. Study: VKGL Data-share Consensus. Not counted in ClinVar's aggregate classification.

Literature cited by the submitters: PubMed 36964972 (cited by Labcorp Genetics (formerly Invitae), Labcorp); PubMed 24728327 (cited by ITMI).